The following is an entry in ClinVar:

NC_000016.10:g.(?_68787043)_(68833499_?)del

Gene: CDH1 (cadherin 1; plus strand). Cytogenetic location: 16q22.1.
Variant type: Deletion.
Identifiers: ClinVar variation 832497 (VCV000832497.1).

ClinVar aggregate classification (germline): Pathogenic (1 of 4 stars; one submission).

Conditions:
Hereditary diffuse gastric adenocarcinoma (HDGC). Also called: DIFFUSE GASTRIC AND LOBULAR BREAST CANCER SYNDROME. Identifiers: Orphanet 26106, MedGen C1708349, MONDO:0007648, OMIM 137215.

Submission:

Labcorp Genetics (formerly Invitae), Labcorp
Classification: Pathogenic for Hereditary diffuse gastric cancer. Last evaluated: 2019-12-28. Review status: criteria provided, single submitter. Criteria: Invitae Variant Classification Sherloc (09022015). Collection method: clinical testing. Allele origin: germline.
Comment: This variant is a gross deletion of the genomic region encompassing exons 3-16 of the CDH1 gene. The 5' boundary is likely confined to intron 2. The 3' end of this event is unknown as it extends through the termination codon beyond the assayed region for this gene and may encompass additional genes. While this deletion is not anticipated to result in nonsense mediated decay, it is expected to create a truncated protein product or disrupt mRNA translation. This variant has not been reported in the literature in individuals with CDH1-related conditions. Sub-genic deletion of exon 16 has been determined to be pathogenic (PMID: 19168852, 22850631, Invitae). Therefore, deletions that fully encompass that region are also expected to be pathogenic. For these reasons, this variant has been classified as Pathogenic.

Literature cited by the submitters: PubMed 19168852; PubMed 22850631.